The following is an entry in ClinVar:

ClinVar aggregate classification (germline): Uncertain significance. Review status: criteria provided, multiple submitters, no conflicts (2 of 4 stars). 3 submissions from 3 submitters: Uncertain significance (3). Last evaluated 2026-08-20.

Conditions:
BBS9-related disorder. Also called: BBS9-related condition.
Inborn genetic diseases. Identifiers: MedGen C0950123, MeSH D030342.
Bardet-Biedl syndrome (BBS). Identifiers: Orphanet 110, MedGen C0752166, MONDO:0015229.

Allele frequency attached by ClinVar (database versions not stated): gnomAD 0.00001; TOPMed 0.00001.
gnomAD v4.1: 2 of 1,613,978 alleles (0.00012%); highest among the groups gnomAD compares: African/African-American, 0.0013%; no homozygotes.

Submissions (3):

PreventionGenetics, part of Exact Sciences
Classification: Uncertain significance for BBS9-related condition. Last evaluated: 2026-08-20. Review status: criteria provided, single submitter. Criteria: ACMG Guidelines, 2015. Collection method: clinical testing. Allele origin: germline.
Comment: The BBS9 c.1288G>A variant is predicted to result in the amino acid substitution p.Val430Ile. To our knowledge, this variant has not been reported in the literature or in a large population database (gnomAD), indicating this variant is rare. At this time, the clinical significance of this variant is uncertain due to the absence of conclusive functional and genetic evidence.

Ambry Genetics
Classification: Uncertain significance for Inborn genetic diseases. Last evaluated: 2025-11-20. Review status: criteria provided, single submitter. Criteria: Ambry Variant Classification Scheme 2023. Collection method: clinical testing. Allele origin: germline.

Labcorp Genetics (formerly Invitae), Labcorp
Classification: Uncertain significance for Bardet-Biedl syndrome. Last evaluated: 2022-05-28. Review status: criteria provided, single submitter. Criteria: Invitae Variant Classification Sherloc (09022015). Collection method: clinical testing. Allele origin: germline.
Comment: This sequence change replaces valine, which is neutral and non-polar, with isoleucine, which is neutral and non-polar, at codon 430 of the BBS9 protein (p.Val430Ile). This variant is not present in population databases (gnomAD no frequency). This variant has not been reported in the literature in individuals affected with BBS9-related conditions. Algorithms developed to predict the effect of missense changes on protein structure and function output the following: SIFT: "Deleterious"; PolyPhen-2: "Benign"; Align-GVGD: "Class C25". The isoleucine amino acid residue is found in multiple mammalian species, which suggests that this missense change does not adversely affect protein function. In summary, the available evidence is currently insufficient to determine the role of this variant in disease. Therefore, it has been classified as a Variant of Uncertain Significance.

NM_198428.3(BBS9):c.1288G>A (p.Val430Ile)

Gene: BBS9 (Bardet-Biedl syndrome 9; plus strand). Cytogenetic location: 7p14.3.
Variant type: single nucleotide variant.
Coding change: c.1288G>A on transcript NM_198428.3 (MANE Select); coding-DNA position 1288, G replaced by A.
Protein change: p.Val430Ile; replaces valine 430 with isoleucine.
Molecular consequence: missense variant. On other transcripts: non-coding transcript variant (3).
Genome position (GRCh38, 1-based): chr7:33,344,593, G>A. VCF-style: chr7-33344593-G-A. GRCh37 (hg19) VCF-style: chr7-33384205-G-A.
Other names: c.1288G>A (NM_198428.2); c.1288G>A, p.Val430Ile (NM_001033604.2, NM_001033605.2, NM_001348036.1 and 7 more transcripts); c.922G>A, p.Val308Ile (NM_001348037.3, NM_001348044.3, NM_001348045.3 and 1 more transcripts); c.1015G>A, p.Val339Ile (NM_001348038.3, NM_001348039.3); c.1153G>A, p.Val385Ile (NM_001348042.3); short protein forms V385I, V308I, V339I, V430I.
Identifiers: ClinVar variation 1972703 (VCV001972703.7), dbSNP rs1465497304, ClinGen allele CA367255339.